The following is an entry in ClinVar:

NM_001379500.1(COL18A1):c.898G>A (p.Glu300Lys)

Gene: COL18A1 (collagen type XVIII alpha 1 chain; plus strand). Cytogenetic location: 21q22.3.
Variant type: single nucleotide variant.
Coding change: c.898G>A on transcript NM_001379500.1 (MANE Select); coding-DNA position 898, G replaced by A.
Protein change: p.Glu300Lys; replaces glutamic acid 300 with lysine.
Molecular consequence: missense variant.
Genome position (GRCh38, 1-based): chr21:45,476,450, G>A. VCF-style: chr21-45476450-G-A. GRCh37 (hg19) VCF-style: chr21-46896364-G-A.
Other names: c.1438G>A, p.Glu480Lys (NM_030582.4); c.2143G>A, p.Glu715Lys (NM_130444.3); short protein forms E300K, E480K, E715K.
Identifiers: ClinVar variation 2415276 (VCV002415276.6), dbSNP rs752384135, ClinGen allele CA10065979.
Genomic context (GRCh38, chr21:45,476,450, plus strand): 5'-GTCACCACGCCACCCTTGGCTGGAGGCAGCAGCACGGAAGATTCCAGAAGTGAAGAAGTC[G>A]AGGAGCAGACCACGGTGGCTTCGTTAGGAGGTAAGCTCTTTTCTGGATGTGGTGTGTGTG-3'
Protein context (NP_001366429.1, residues 290-310): STEDSRSEEV[Glu300Lys]EQTTVASLGA

ClinVar aggregate classification (germline): Uncertain significance (1 of 4 stars; one submission).

Allele frequency attached by ClinVar (database versions not stated): ExAC 0.00002; TOPMed 0.00002; gnomAD exomes 0.00004.
gnomAD v4.1: 54 of 1,613,450 alleles (0.0033%); highest among the groups gnomAD compares: Middle Eastern, 0.017%; no homozygotes.

Submission:

Labcorp Genetics (formerly Invitae), Labcorp
Classification: Uncertain significance. Last evaluated: 2022-02-09. Review status: criteria provided, single submitter. Criteria: Invitae Variant Classification Sherloc (09022015). Collection method: clinical testing. Allele origin: germline.
Comment: In summary, the available evidence is currently insufficient to determine the role of this variant in disease. Therefore, it has been classified as a Variant of Uncertain Significance. Experimental studies and prediction algorithms are not available or were not evaluated, and the functional significance of this variant is currently unknown. This variant has not been reported in the literature in individuals affected with COL18A1-related conditions. This variant is present in population databases (rs752384135, gnomAD 0.007%). This sequence change replaces glutamic acid, which is acidic and polar, with lysine, which is basic and polar, at codon 300 of the COL18A1 protein (p.Glu300Lys).